The following is an entry in ClinVar:

ClinVar aggregate classification (germline): Uncertain significance (1 of 4 stars; one submission).

Conditions:
Neuropathy, hereditary sensory and autonomic, type 2A (HSAN2A). Also called: WNK1-Related HSAN2 (HSAN2A); MORVAN DISEASE; NEUROPATHY, CONGENITAL SENSORY; NEUROPATHY, HEREDITARY SENSORY RADICULAR, AUTOSOMAL RECESSIVE; NEUROPATHY, HEREDITARY SENSORY, TYPE IIA; NEUROPATHY, PROGRESSIVE SENSORY, OF CHILDREN. Identifiers: Orphanet 970, MedGen C2752089, MONDO:0024309, OMIM 201300.
Generalized epilepsy with febrile seizures plus, type 7 (GEFSP7). Also called: GEFS+, TYPE 7. Identifiers: Orphanet 36387, MedGen C2751778, MONDO:0013470, OMIM 613863.

Submission:

Labcorp Genetics (formerly Invitae), Labcorp
Classification: Uncertain significance for Neuropathy, hereditary sensory and autonomic, type 2A; Generalized epilepsy with febrile seizures plus, type 7. Last evaluated: 2018-11-15. Review status: criteria provided, single submitter. Criteria: Invitae Variant Classification Sherloc (09022015). Collection method: clinical testing. Allele origin: germline.
Comment: This variant is not present in population databases (ExAC no frequency). This sequence change falls in intron 5 of the SCN9A gene. It does not directly change the encoded amino acid sequence of the SCN9A protein, but it affects a nucleotide within the consensus splice site of the intron. This variant has not been reported in the literature in individuals with SCN9A-related disease. Nucleotide substitutions within the consensus splice site are a relatively common cause of aberrant splicing (PMID: 17576681, 9536098). Algorithms developed to predict the effect of sequence changes on RNA splicing suggest that this variant may disrupt the consensus splice site, but this prediction has not been confirmed by published transcriptional studies. In summary, the available evidence is currently insufficient to determine the role of this variant in disease. Therefore, it has been classified as a Variant of Uncertain Significance.

Literature cited by the submitters: PubMed 17576681; PubMed 9536098.

NM_001365536.1(SCN9A):c.596+4_596+7del

Gene: SCN9A (sodium voltage-gated channel alpha subunit 9; minus strand). Cytogenetic location: 2q24.3.
Variant type: Deletion.
Coding change: c.596+4_596+7del on transcript NM_001365536.1 (MANE Select); bases 4 to 7 of the intron after coding-DNA position 596, 4 bases deleted (AGTA; older notation c.596+4_596+7delAGTA).
Molecular consequence: splice donor variant.
Genome position (GRCh38, 1-based): chr2:166,305,785-166,305,788, TACT deleted on the plus strand (AGTA on the coding strand, the reverse complement: SCN9A is on the minus strand); deleting any 4 consecutive bases within chr2:166,305,785-166,305,791 gives the same sequence; the c. name uses the placement nearest the transcript's 3' end. VCF-style (leftmost placement, unchanged base first): chr2-166305784-GTACT-G. GRCh37 (hg19) VCF-style: chr2-167162294-GTACT-G.
Other names: c.596+4_596+7del (NM_002977.4); c.596+4_596+7delAGTA (NM_002977.3).
Identifiers: ClinVar variation 650799 (VCV000650799.7), dbSNP rs1574905327, ClinGen allele CA915942913.
Genomic context (GRCh38, chr2:166,305,784, plus strand): 5'-GTTATTGGAACACTGTGCTGCCTGAGATTTTCATAAATTTGCCGTTTCAAAAAGCTGAAA[GTACT>G]TACGCAAAAACAATGACGACAAAATCCAGCCAGTTCCACGGGTCACGAAGAAAAGTGAAT-3'